The following is an entry in ClinVar:

ClinVar aggregate classification (germline): Uncertain significance (1 of 4 stars; one submission).

Conditions:
Baller-Gerold syndrome (BGS). Also called: CRANIOSYNOSTOSIS WITH RADIAL DEFECTS. Identifiers: Orphanet 1225, MedGen C0265308, MONDO:0009039, OMIM 218600.

gnomAD v4.1: 1 of 1,599,638 alleles (0.000063%); highest among the groups gnomAD compares: Non-Finnish European, 0.000085%; no homozygotes.

Submission:

Labcorp Genetics (formerly Invitae), Labcorp
Classification: Uncertain significance for Baller-Gerold syndrome. Last evaluated: 2023-05-16. Review status: criteria provided, single submitter. Criteria: Invitae Variant Classification Sherloc (09022015). Collection method: clinical testing. Allele origin: germline.
Comment: In summary, the available evidence is currently insufficient to determine the role of this variant in disease. Therefore, it has been classified as a Variant of Uncertain Significance. Advanced modeling of protein sequence and biophysical properties (such as structural, functional, and spatial information, amino acid conservation, physicochemical variation, residue mobility, and thermodynamic stability) performed at Invitae indicates that this missense variant is expected to disrupt RECQL4 protein function. This variant has not been reported in the literature in individuals affected with RECQL4-related conditions. This variant is not present in population databases (gnomAD no frequency). This sequence change replaces glutamic acid, which is acidic and polar, with aspartic acid, which is acidic and polar, at codon 796 of the RECQL4 protein (p.Glu796Asp).

NM_004260.4(RECQL4):c.2388G>C (p.Glu796Asp)

Gene: RECQL4 (RecQ like helicase 4; minus strand). Cytogenetic location: 8q24.3.
Variant type: single nucleotide variant.
Coding change: c.2388G>C on transcript NM_004260.4 (MANE Select); coding-DNA position 2388, G replaced by C.
Protein change: p.Glu796Asp; replaces glutamic acid 796 with aspartic acid.
Molecular consequence: missense variant. On other transcripts: non-coding transcript variant (3), intron variant (3).
Genome position (GRCh38, 1-based): chr8:144,513,293, C>G on the plus strand (G>C on the coding strand, the complement: RECQL4 is on the minus strand). VCF-style: chr8-144513293-C-G. GRCh37 (hg19) VCF-style: chr8-145738676-C-G.
Other names: c.2388G>C, p.Glu796Asp (NM_001413019.1, NM_001413036.1); c.2292G>C, p.Glu764Asp (NM_001413020.1); c.1317G>C, p.Glu439Asp (NM_001413021.1, NM_001413022.1, NM_001413023.1 and 5 more transcripts); c.2259G>C, p.Glu753Asp (NM_001413025.1); c.1251G>C, p.Glu417Asp (NM_001413027.1, NM_001413041.1, NM_001413030.1 and 1 more transcripts); c.1287G>C, p.Glu429Asp (NM_001413042.1); c.921G>C, p.Glu307Asp (NM_001413043.1); c.2169+123G>C (NM_001413017.1); and 7 more; short protein forms E307D, E373D, E439D, E764D, E395D, E753D, E786D, E429D.
Identifiers: ClinVar variation 2799851 (VCV002799851.3), dbSNP rs1378138545, ClinGen allele CA372678231.